The following is an entry in ClinVar:

ClinVar aggregate classification (germline): Benign/Likely benign. Review status: criteria provided, multiple submitters, no conflicts (2 of 4 stars). 9 submissions from 9 submitters: Benign (8); Likely benign (1). Last evaluated 2026-01-29.

Conditions:
Inborn genetic diseases. Identifiers: MedGen C0950123, MeSH D030342.
Developmental and epileptic encephalopathy, 12 (DEE12). Identifiers: MedGen C3150988, MONDO:0013389, OMIM 613722.
Microcephaly, seizures, and developmental delay. Identifiers: Orphanet 1934, MedGen C3150667, MONDO:0013254, OMIM 613402.

Allele frequency attached by ClinVar (database versions not stated): ESP Exome Variant Server 0.00023; gnomAD 0.00051 and 0.00078; ExAC 0.00121; TOPMed 0.00123; gnomAD exomes 0.00127; 1000 Genomes Project 0.00519.
gnomAD v4.1: 837 of 1,601,890 alleles (0.052%); highest among the groups gnomAD compares: East Asian, 1.5%; 2 homozygotes.

Submissions (9):

Labcorp Genetics (formerly Invitae), Labcorp
Classification: Benign for Developmental and epileptic encephalopathy, 12. Last evaluated: 2026-01-29. Review status: criteria provided, single submitter. Criteria: Invitae Variant Classification Sherloc (09022015). Collection method: clinical testing. Allele origin: germline.

Blueprint Genetics
Classification: Likely benign. Last evaluated: 2024-11-08. Review status: criteria provided, single submitter. Criteria: ACMG Guidelines, 2015. Collection method: clinical testing. Allele origin: germline.

Mayo Clinic Laboratories, Mayo Clinic
Classification: Benign. Last evaluated: 2024-10-09. Review status: criteria provided, single submitter. Criteria: ACMG Guidelines, 2015. Collection method: clinical testing. Allele origin: germline. Observed: 4 variant alleles.
Comment: BS1, BS2, BP4, BP7

Athena Diagnostics
Classification: Benign. Last evaluated: 2024-04-22. Review status: criteria provided, single submitter. Criteria: Athena Diagnostics Criteria. Collection method: clinical testing. Allele origin: unknown.

Genetic Services Laboratory, University of Chicago
Classification: Benign. Last evaluated: 2020-09-21. Review status: criteria provided, single submitter. Criteria: ACMG Guidelines, 2015. Collection method: clinical testing. Allele origin: germline. Affected: no.

Illumina Laboratory Services, Illumina
Classification: Benign for Microcephaly, seizures, and developmental delay. Last evaluated: 2017-04-27. Review status: criteria provided, single submitter. Criteria: ICSL Variant Classification Criteria 13 December 2019. Collection method: clinical testing. Allele origin: germline.
Comment: This variant was observed as part of a predisposition screen in an ostensibly healthy population. A literature search was performed for the gene, cDNA change, and amino acid change (where applicable). No publications were found based on this search. Allele frequency data from public databases was too high to be consistent with this variant causing disease. Therefore, this variant is classified as benign.

Ambry Genetics
Classification: Benign for Inborn genetic diseases. Last evaluated: 2016-11-10. Review status: criteria provided, single submitter. Criteria: Ambry Variant Classification Scheme 2023. Collection method: clinical testing. Allele origin: germline.

GeneDx
Classification: Benign. Last evaluated: 2013-03-21. Review status: criteria provided, single submitter. Criteria: GeneDx Variant Classification (06012015). Collection method: clinical testing. Allele origin: germline. Affected: yes.
Comment: This variant is considered likely benign or benign based on one or more of the following criteria: it is a conservative change, it occurs at a poorly conserved position in the protein, it is predicted to be benign by multiple in silico algorithms, and/or has population frequency not consistent with disease.

Breakthrough Genomics
Classification: Benign. Review status: criteria provided, single submitter. Criteria: ACMG Guidelines, 2015. Collection method: not provided. Allele origin: germline. Inheritance: Autosomal recessive inheritance. Affected: yes.

NM_007254.4(PNKP):c.1557C>T (p.Ser519=)

Gene: PNKP (polynucleotide kinase 3'-phosphatase; minus strand). Cytogenetic location: 19q13.33.
Variant type: single nucleotide variant.
Coding change: c.1557C>T on transcript NM_007254.4 (MANE Select); coding-DNA position 1557, C replaced by T.
Protein change: p.Ser519=; no amino-acid change (serine 519 retained).
Molecular consequence: synonymous variant.
Genome position (GRCh38, 1-based): chr19:49,861,257, G>A on the plus strand (C>T on the coding strand, the complement: PNKP is on the minus strand). VCF-style: chr19-49861257-G-A. GRCh37 (hg19) VCF-style: chr19-50364514-G-A.
Other names: p.S519S:TCC>TCT; p.Ser519=.
Identifiers: ClinVar variation 138726 (VCV000138726.30), dbSNP rs142180374, ClinGen allele CA295146.